The following is an entry in ClinVar:

NM_032578.4(MYPN):c.3125G>A (p.Arg1042His)

Gene: MYPN (myopalladin; plus strand). Cytogenetic location: 10q21.3.
Variant type: single nucleotide variant.
Coding change: c.3125G>A on transcript NM_032578.4 (MANE Select); coding-DNA position 3125, G replaced by A.
Protein change: p.Arg1042His; replaces arginine 1042 with histidine.
Molecular consequence: missense variant. On other transcripts: non-coding transcript variant (2).
Genome position (GRCh38, 1-based): chr10:68,195,499, G>A. VCF-style: chr10-68195499-G-A. GRCh37 (hg19) VCF-style: chr10-69955256-G-A.
Other names: p.Arg1042His; c.3125G>A, p.Arg1042His (NM_001256267.2); c.2243G>A, p.Arg748His (NM_001256268.2); short protein forms R1042H, R748H.
Identifiers: ClinVar variation 477756 (VCV000477756.19), dbSNP rs140439935, ClinGen allele CA5522952.

ClinVar aggregate classification (germline): Uncertain significance. Review status: criteria provided, multiple submitters, no conflicts (2 of 4 stars). 4 submissions from 4 submitters: Uncertain significance (4). Last evaluated 2025-10-28.

Conditions:
Dilated cardiomyopathy 1KK (CMD1KK). Identifiers: Orphanet 154, Orphanet 75249, MedGen C3714995, MONDO:0014100, OMIM 615248.
Cardiovascular phenotype. Identifiers: MedGen CN230736.

Allele frequency attached by ClinVar (database versions not stated): ExAC 0.00002; 1000 Genomes Project 30x 0.00016; gnomAD 0.00003; TOPMed 0.00006; ESP Exome Variant Server 0.00008; gnomAD exomes 0.00002; 1000 Genomes Project 0.00020.
gnomAD v4.1: 26 of 1,613,916 alleles (0.0016%); highest among the groups gnomAD compares: East Asian, 0.018%; no homozygotes.

Submissions (4):

Ambry Genetics
Classification: Uncertain significance for Cardiovascular phenotype. Last evaluated: 2025-10-28. Review status: criteria provided, single submitter. Criteria: Ambry Variant Classification Scheme 2023. Collection method: clinical testing. Allele origin: germline.

Revvity Omics, Revvity
Classification: Uncertain significance. Last evaluated: 2024-07-03. Review status: criteria provided, single submitter. Criteria: ACMG Guidelines, 2015. Collection method: clinical testing. Allele origin: germline.

Labcorp Genetics (formerly Invitae), Labcorp
Classification: Uncertain significance for Dilated cardiomyopathy 1KK. Last evaluated: 2022-06-24. Review status: criteria provided, single submitter. Criteria: Invitae Variant Classification Sherloc (09022015). Collection method: clinical testing. Allele origin: germline.
Comment: This variant has not been reported in the literature in individuals affected with MYPN-related conditions. ClinVar contains an entry for this variant (Variation ID: 477756). Algorithms developed to predict the effect of missense changes on protein structure and function are either unavailable or do not agree on the potential impact of this missense change (SIFT: "Deleterious"; PolyPhen-2: "Probably Damaging"; Align-GVGD: "Class C0"). In summary, the available evidence is currently insufficient to determine the role of this variant in disease. Therefore, it has been classified as a Variant of Uncertain Significance. This variant is present in population databases (rs140439935, gnomAD 0.01%). This sequence change replaces arginine, which is basic and polar, with histidine, which is basic and polar, at codon 1042 of the MYPN protein (p.Arg1042His).

Mayo Clinic Laboratories, Mayo Clinic
Classification: Uncertain significance. Last evaluated: 2021-10-05. Review status: criteria provided, single submitter. Criteria: ACMG Guidelines, 2015. Collection method: clinical testing. Allele origin: germline.